The following is an entry in ClinVar:

NM_183357.3(ADCY5):c.3037C>T (p.Arg1013Cys)

Gene: ADCY5 (adenylate cyclase 5; minus strand). Cytogenetic location: 3q21.1.
Variant type: single nucleotide variant.
Coding change: c.3037C>T on transcript NM_183357.3 (MANE Select); coding-DNA position 3037, C replaced by T.
Protein change: p.Arg1013Cys; replaces arginine 1013 with cysteine.
Molecular consequence: missense variant.
Genome position (GRCh38, 1-based): chr3:123,296,110, G>A on the plus strand (C>T on the coding strand, the complement: ADCY5 is on the minus strand). VCF-style: chr3-123296110-G-A. GRCh37 (hg19) VCF-style: chr3-123014957-G-A.
Other names: c.1987C>T, p.Arg663Cys (NM_001199642.1); c.3112C>T, p.Arg1038Cys (NM_001378259.1); short protein forms R1013C, R663C, R1038C.
Identifiers: ClinVar variation 521035 (VCV000521035.7), dbSNP rs1365372289, ClinGen allele CA354224055.
Genomic context (GRCh38, chr3:123,296,110, plus strand): 5'-CTCCCTCCCCAGGTCCAGCCCCAGGGCCACCCACCTGCAGTTTCCAGAGGAAGTCGAGGC[G>A]GGCAGTGGACTCCACCTGCTGGGCGTGCAGGTACAGGGCCAGCACAAAGACTGAGATGAT-3'
Protein context (NP_899200.1, residues 1003-1023): LHAQQVESTA[Arg1013Cys]LDFLWKLQAT

ClinVar aggregate classification (germline): Pathogenic/Likely pathogenic. Review status: criteria provided, multiple submitters, no conflicts (2 of 4 stars). 3 submissions from 3 submitters: Pathogenic (1); Likely pathogenic (1). 1 of the submissions does not count toward it. Last evaluated 2025-04-28.

Conditions:
Dyskinesia with orofacial involvement, autosomal recessive. Identifiers: MedGen C5562036, MONDO:0030625, OMIM 619647.
Inborn genetic diseases. Identifiers: MedGen C0950123, MeSH D030342.

Allele frequency attached by ClinVar (database versions not stated): gnomAD exomes below 0.00001.
gnomAD v4.1: 1 of 1,614,026 alleles (0.000062%); no homozygotes.

Submissions (3):

Labcorp Genetics (formerly Invitae), Labcorp
Classification: Pathogenic. Last evaluated: 2025-04-28. Review status: criteria provided, single submitter. Criteria: Invitae Variant Classification Sherloc (09022015). Collection method: clinical testing. Allele origin: germline.
Comment: This sequence change replaces arginine, which is basic and polar, with cysteine, which is neutral and slightly polar, at codon 1013 of the ADCY5 protein (p.Arg1013Cys). This variant is present in population databases (no rsID available, gnomAD 0.006%). This missense change has been observed in individual(s) with autosomal recessive dystonia syndrome (PMID: 28971144; internal data). In at least one individual the data is consistent with being in trans (on the opposite chromosome) from a pathogenic variant. It has also been observed to segregate with disease in related individuals. ClinVar contains an entry for this variant (Variation ID: 521035). Invitae Evidence Modeling of protein sequence and biophysical properties (such as structural, functional, and spatial information, amino acid conservation, physicochemical variation, residue mobility, and thermodynamic stability) indicates that this missense variant is expected to disrupt ADCY5 protein function with a positive predictive value of 95%. For these reasons, this variant has been classified as Pathogenic.

Ambry Genetics
Classification: Likely pathogenic for Inborn genetic diseases. Last evaluated: 2020-11-13. Review status: criteria provided, single submitter. Criteria: Ambry Variant Classification Scheme 2023. Collection method: clinical testing. Allele origin: germline.
Comment: The c.3037C>T (p.R1013C) alteration is located in coding exon 17 of the ADCY5 gene. This alteration results from a C to T substitution at nucleotide position 3037, causing the arginine (R) at amino acid position 1013 to be replaced by a cysteine (C). Based on data from the Genome Aggregation Database (gnomAD) database, the ADCY5 c.3037C>T alteration was observed in 0.0004% (1/250892) of total alleles studied. This alteration was confirmed to be in trans with a second disease-causing allele in ADCY5 in two siblings with generalized dystonia with superimposed myoclonus (Barrett, 2017). This amino acid position is highly conserved in available vertebrate species. The p.R1013C alteration is predicted to be deleterious by in silico analysis. Based on the available evidence, this alteration is classified as likely pathogenic.

OMIM
Classification: Pathogenic for DYSKINESIA WITH OROFACIAL INVOLVEMENT, AUTOSOMAL RECESSIVE. Last evaluated: 2021-12-09. Review status: no assertion criteria provided. Collection method: literature only. Allele origin: germline. Not counted in ClinVar's aggregate classification.

Literature cited by the submitters: PubMed 28971144 (cited by 3 submitters).